The following is an entry in ClinVar:

NM_024664.4(PPCS):c.484G>C (p.Ala162Pro)

Genes: CCDC30 (coiled-coil domain containing 30; plus strand), PPCS (phosphopantothenoylcysteine synthetase; plus strand). Cytogenetic location: 1p34.2.
Variant type: single nucleotide variant.
Coding change: c.484G>C on transcript NM_024664.4 (MANE Select); coding-DNA position 484, G replaced by C.
Protein change: p.Ala162Pro; replaces alanine 162 with proline.
Molecular consequence: missense variant. On other transcripts: 5 prime UTR variant (1), intron variant (6).
Genome position (GRCh38, 1-based): chr1:42,457,049, G>C. VCF-style: chr1-42457049-G-C. GRCh37 (hg19) VCF-style: chr1-42922720-G-C.
Other names: c.-209G>C (NM_001287510.2); c.484G>C, p.Ala162Pro (NM_001287511.2); c.-983-198G>C (NM_001355226.2); c.-327-198G>C (NM_001287507.1); c.-11-198G>C (NM_001287506.1, NM_001287508.2, NM_001077447.3 and 1 more transcripts); short protein forms A162P.
Identifiers: ClinVar variation 1448585 (VCV001448585.5), dbSNP rs758978530, ClinGen allele CA799982.

ClinVar aggregate classification (germline): Uncertain significance. Review status: criteria provided, multiple submitters, no conflicts (2 of 4 stars). 2 submissions from 2 submitters: Uncertain significance (2). Last evaluated 2022-08-09.

Conditions:
Inborn genetic diseases. Identifiers: MedGen C0950123, MeSH D030342.

Allele frequency attached by ClinVar (database versions not stated): TOPMed below 0.00001; gnomAD exomes 0.00002 and 0.00005; ExAC 0.00003.
gnomAD v4.1: 11 of 1,599,244 alleles (0.00069%); highest among the groups gnomAD compares: Admixed American, 0.018%; no homozygotes.

Submissions (2):

Labcorp Genetics (formerly Invitae), Labcorp
Classification: Uncertain significance. Last evaluated: 2022-08-09. Review status: criteria provided, single submitter. Criteria: Invitae Variant Classification Sherloc (09022015). Collection method: clinical testing. Allele origin: germline.
Comment: This sequence change replaces alanine, which is neutral and non-polar, with proline, which is neutral and non-polar, at codon 162 of the PPCS protein (p.Ala162Pro). This variant is present in population databases (rs758978530, gnomAD 0.03%). This variant has not been reported in the literature in individuals affected with PPCS-related conditions. ClinVar contains an entry for this variant (Variation ID: 1448585). Algorithms developed to predict the effect of missense changes on protein structure and function are either unavailable or do not agree on the potential impact of this missense change (SIFT: "Tolerated"; PolyPhen-2: "Probably Damaging"; Align-GVGD: "Class C0"). In summary, the available evidence is currently insufficient to determine the role of this variant in disease. Therefore, it has been classified as a Variant of Uncertain Significance.

Ambry Genetics
Classification: Uncertain significance for Inborn genetic diseases. Last evaluated: 2021-09-17. Review status: criteria provided, single submitter. Criteria: Ambry Variant Classification Scheme 2023. Collection method: clinical testing. Allele origin: germline.